The following is an entry in ClinVar:

NC_012920.1(MT-TH):m.12171A>G

Gene: MT-TH (mitochondrially encoded tRNA histidine; plus strand).
Variant type: single nucleotide variant.
Genome position: chrM-12171-A-G.
Identifiers: ClinVar variation 690141 (VCV000690141.1), dbSNP rs1603223589, ClinGen allele CA913169572.

ClinVar aggregate classification (germline): Benign (1 of 4 stars; one submission).

Conditions:
MELAS syndrome (MELAS). Also called: Juvenile myopathy, encephalopathy, lactic acidosis, stroke. Identifiers: Orphanet 550, MedGen C0162671, MONDO:0010789, OMIM 540000.

Submission:

Wong Mito Lab, Molecular and Human Genetics, Baylor College of Medicine
Classification: Benign for MELAS syndrome. Last evaluated: 2019-07-12. Review status: criteria provided, single submitter. Criteria: Modified ACMG Guidelines (Unpublished). Collection method: clinical testing. Allele origin: germline.
Comment: The NC_012920.1:m.12171A>G variant in MT-TH gene is interpreted to be a Benign variant based on the modified ACMG guidelines (unpublished). This variant meets the following evidence codes reported in the guidelines: BS1, BS2, BP4

Literature cited by the submitters: PubMed 31965079; PubMed 7635294.